The following is an entry in ClinVar:

ClinVar aggregate classification (germline): Pathogenic (1 of 4 stars; one submission).

Conditions:
Intellectual developmental disorder, X-linked 1. Also called: Atkin Flaitz Patil Smith syndrome; MENTAL RETARDATION, X-LINKED 18; MENTAL RETARDATION, X-LINKED 78; Intellectual disability, X-linked 1. Identifiers: Orphanet 777, MedGen C2931498, MONDO:0010656, OMIM 309530.

Submission:

Labcorp Genetics (formerly Invitae), Labcorp
Classification: Pathogenic for Intellectual developmental disorder, X-linked 1. Last evaluated: 2025-03-16. Review status: criteria provided, single submitter. Criteria: Invitae Variant Classification Sherloc (09022015). Collection method: clinical testing. Allele origin: germline.
Comment: This sequence change creates a premature translational stop signal (p.Glu544*) in the IQSEC2 gene. It is expected to result in an absent or disrupted protein product. Loss-of-function variants in IQSEC2 are known to be pathogenic (PMID: 21686261, 26793055, 27665735). This variant is not present in population databases (gnomAD no frequency). This variant has not been reported in the literature in individuals affected with IQSEC2-related conditions. For these reasons, this variant has been classified as Pathogenic.

Literature cited by the submitters: PubMed 21686261; PubMed 26793055; PubMed 27665735.

NM_001111125.3(IQSEC2):c.1630G>T (p.Glu544Ter)

Gene: IQSEC2 (IQ motif and Sec7 domain ArfGEF 2; minus strand). Cytogenetic location: Xp11.22.
Variant type: single nucleotide variant.
Coding change: c.1630G>T on transcript NM_001111125.3 (MANE Select); coding-DNA position 1630, G replaced by T.
Protein change: p.Glu544Ter; replaces glutamic acid 544 with a stop codon.
Molecular consequence: nonsense.
Genome position (GRCh38, 1-based): chrX:53,250,946, C>A on the plus strand (G>T on the coding strand, the complement: IQSEC2 is on the minus strand). VCF-style: chrX-53250946-C-A. GRCh37 (hg19) VCF-style: chrX-53280128-C-A.
Other names: c.1630G>T, p.Glu544Ter (NM_001410736.1, NM_001441092.1); c.1132G>T, p.Glu378Ter (NM_001441093.1); c.919G>T, p.Glu307Ter (NM_001441094.1, NM_001441095.1); c.1015G>T, p.Glu339Ter (NM_015075.2); short protein forms E378*, E544*, E307*, E339*.
Identifiers: ClinVar variation 4715166 (VCV004715166.1).